The following is an entry in ClinVar:

NM_170754.4(TNS2):c.3629G>A (p.Gly1210Glu)

Gene: TNS2 (tensin 2; plus strand). Cytogenetic location: 12q13.13.
Variant type: single nucleotide variant.
Coding change: c.3629G>A on transcript NM_170754.4 (MANE Select); coding-DNA position 3629, G replaced by A.
Protein change: p.Gly1210Glu; replaces glycine 1210 with glutamic acid.
Molecular consequence: missense variant.
Genome position (GRCh38, 1-based): chr12:53,062,207, G>A. VCF-style: chr12-53062207-G-A. GRCh37 (hg19) VCF-style: chr12-53455991-G-A.
Other names: c.3629G>A, p.Gly1210Glu (NM_001416202.1); c.3587G>A, p.Gly1196Glu (NM_001416203.1); c.3656G>A, p.Gly1219Glu (NM_001416204.1); c.3560G>A, p.Gly1187Glu (NM_015319.3); c.3257G>A, p.Gly1086Glu (NM_198316.2); short protein forms G1210E, G1219E, G1086E, G1196E, G1187E.
Identifiers: ClinVar variation 2839621 (VCV002839621.3), dbSNP rs1393018465, ClinGen allele CA385016908.

ClinVar aggregate classification (germline): Uncertain significance (1 of 4 stars; one submission).

Submission:

Labcorp Genetics (formerly Invitae), Labcorp
Classification: Uncertain significance. Last evaluated: 2023-05-09. Review status: criteria provided, single submitter. Criteria: Invitae Variant Classification Sherloc (09022015). Collection method: clinical testing. Allele origin: germline.
Comment: In summary, the available evidence is currently insufficient to determine the role of this variant in disease. Therefore, it has been classified as a Variant of Uncertain Significance. Algorithms developed to predict the effect of sequence changes on RNA splicing suggest that this variant may create or strengthen a splice site. An algorithm developed to predict the effect of missense changes on protein structure and function (PolyPhen-2) suggests that this variant is likely to be disruptive. This variant has not been reported in the literature in individuals affected with TNS2-related conditions. This variant is not present in population databases (gnomAD no frequency). This sequence change replaces glycine, which is neutral and non-polar, with glutamic acid, which is acidic and polar, at codon 1220 of the TNS2 protein (p.Gly1220Glu).